The following is an entry in ClinVar:

NM_198075.4(LRRC56):c.702C>A (p.Ala234=)

Gene: LRRC56 (leucine rich repeat containing 56; plus strand). Cytogenetic location: 11p15.5.
Variant type: single nucleotide variant.
Coding change: c.702C>A on transcript NM_198075.4 (MANE Select); coding-DNA position 702, C replaced by A.
Protein change: p.Ala234=; no amino-acid change (alanine 234 retained).
Molecular consequence: synonymous variant.
Genome position (GRCh38, 1-based): chr11:551,208, C>A. VCF-style: chr11-551208-C-A. GRCh37 (hg19) VCF-style: chr11-551208-C-A.
Identifiers: ClinVar variation 2641069 (VCV002641069.27), dbSNP rs144277841, ClinGen allele CA216895917.

ClinVar aggregate classification (germline): Likely benign. Review status: criteria provided, multiple submitters, no conflicts (2 of 4 stars). 2 submissions from 2 submitters: Likely benign (2). Last evaluated 2023-07-22.

Submissions (2):

Labcorp Genetics (formerly Invitae), Labcorp
Classification: Likely benign. Last evaluated: 2023-07-22. Review status: criteria provided, single submitter. Criteria: Invitae Variant Classification Sherloc (09022015). Collection method: clinical testing. Allele origin: germline.

CeGaT Center for Human Genetics Tuebingen
Classification: Likely benign. Last evaluated: 2023-02-01. Review status: criteria provided, single submitter. Criteria: CeGaT Center For Human Genetics Tuebingen Variant Classification Criteria Version 2. Collection method: clinical testing. Allele origin: germline. Affected: yes. Observed: 1 variant allele.
Comment: LRRC56: BP4, BP7